The following is an entry in ClinVar:

NM_015374.3(SUN2):c.425-3C>T

Gene: SUN2 (Sad1 and UNC84 domain containing 2; minus strand). Cytogenetic location: 22q13.1.
Variant type: single nucleotide variant.
Coding change: c.425-3C>T on transcript NM_015374.3 (MANE Select); 3 bases into the intron before coding-DNA position 425, C replaced by T.
Molecular consequence: intron variant. On other transcripts: missense variant (2).
Genome position (GRCh38, 1-based): chr22:38,750,323, G>A on the plus strand (C>T on the coding strand, the complement: SUN2 is on the minus strand). VCF-style: chr22-38750323-G-A. GRCh37 (hg19) VCF-style: chr22-39146328-G-A.
Other names: c.485C>T, p.Ala162Val (NM_001199579.2, NM_001394428.1); c.123-1540C>T (NM_001394443.1); c.335-3C>T (NM_001394438.1); c.287-3C>T (NM_001394439.1, NM_001394441.1, NM_001394440.1); c.425-3C>T (NM_001394444.1, NM_001394442.1, NM_001394437.1 and 9 more transcripts); c.470-3C>T (NM_001394430.1, NM_001394429.1); short protein forms A162V.
Identifiers: ClinVar variation 1398362 (VCV001398362.6), dbSNP rs368321480, ClinGen allele CA411586502.

ClinVar aggregate classification (germline): Uncertain significance (1 of 4 stars; one submission).

Conditions:
Emery-Dreifuss muscular dystrophy (EDMD). Also called: Scapuloperoneal syndrome, X-linked (formerly); Humeroperoneal neuromuscular disease, (formerly). Identifiers: Orphanet 261, MedGen C0410189, MONDO:0016830.

gnomAD v4.1: 4 of 1,613,896 alleles (0.00025%); highest among the groups gnomAD compares: Admixed American, 0.0067%; no homozygotes.

Submission:

Labcorp Genetics (formerly Invitae), Labcorp
Classification: Uncertain significance for Emery-Dreifuss muscular dystrophy. Last evaluated: 2023-02-23. Review status: criteria provided, single submitter. Criteria: Invitae Variant Classification Sherloc (09022015). Collection method: clinical testing. Allele origin: germline.
Comment: In summary, the available evidence is currently insufficient to determine the role of this variant in disease. Therefore, it has been classified as a Variant of Uncertain Significance. Variants that disrupt the consensus splice site are a relatively common cause of aberrant splicing (PMID: 17576681, 9536098). Algorithms developed to predict the effect of sequence changes on RNA splicing suggest that this variant is not likely to affect RNA splicing. ClinVar contains an entry for this variant (Variation ID: 1398362). This variant has not been reported in the literature in individuals affected with SUN2-related conditions. This variant is present in population databases (no rsID available, gnomAD 0.006%). This sequence change falls in intron 4 of the SUN2 gene. It does not directly change the encoded amino acid sequence of the SUN2 protein. It affects a nucleotide within the consensus splice site.

Literature cited by the submitters: PubMed 17576681; PubMed 9536098.